The following is an entry in ClinVar:

ClinVar aggregate classification (germline): Pathogenic (1 of 4 stars; one submission).

Submission:

GeneKor MSA
Classification: Pathogenic. Last evaluated: 2020-01-01. Review status: criteria provided, single submitter. Criteria: ACMG Guidelines, 2015. Collection method: clinical testing. Allele origin: germline.
Comment: This sequence change inserts two nucleotides in exon 18 of BRCA2 mRNA (c.8052_8053dupAA), causing a frameshift at codon 2685 and the creation of a premature translation stop signal 10 amino acid residues later. This is expected to result in an absent or disrupted protein product. Truncating variants in BRCA2 are known to be pathogenic. To our knowledge this variant has not been reported in the international literature but based on its effect on the protein it is suspected to be pathogenic.

NM_000059.4(BRCA2):c.8052_8053dup (p.Thr2685fs)

Gene: BRCA2 (BRCA2 DNA repair associated; plus strand). Cytogenetic location: 13q13.1.
Variant type: Duplication.
Coding change: c.8052_8053dup on transcript NM_000059.4 (MANE Select); coding-DNA positions 8052 to 8053, 2 bases duplicated (AA; older notation c.8052_8053dupAA).
Protein change: p.Thr2685fs; shifts the reading frame from threonine 2685.
Molecular consequence: frameshift variant.
Genome position (GRCh38, 1-based): chr13:32,363,254-32,363,255, AA duplicated; duplicating any 2 consecutive bases within chr13:32,363,251-32,363,255 gives the same sequence; the c. name uses the placement nearest the transcript's 3' end. VCF-style (leftmost placement, unchanged base first): chr13-32363250-C-CAA. GRCh37 (hg19) VCF-style: chr13-32937387-C-CAA.
Other names: c.8052_8053dupAA (NM_000059.3); short protein forms T2685fs.
Identifiers: ClinVar variation 495101 (VCV000495101.4), dbSNP rs397507958, ClinGen allele CA658683809.